The following is an entry in ClinVar:

NM_017763.6(RNF43):c.80G>T (p.Arg27Leu)

Gene: RNF43 (ring finger protein 43; minus strand). Cytogenetic location: 17q22.
Variant type: single nucleotide variant.
Coding change: c.80G>T on transcript NM_017763.6 (MANE Select); coding-DNA position 80, G replaced by T.
Protein change: p.Arg27Leu; replaces arginine 27 with leucine.
Molecular consequence: missense variant. On other transcripts: intron variant (1).
Genome position (GRCh38, 1-based): chr17:58,415,498, C>A on the plus strand (G>T on the coding strand, the complement: RNF43 is on the minus strand). VCF-style: chr17-58415498-C-A. GRCh37 (hg19) VCF-style: chr17-56492859-C-A.
Other names: c.80G>T, p.Arg27Leu (NM_001305544.3, NM_001438820.1, NM_001438821.1 and 1 more transcripts); c.-130+1519G>T (NM_001437987.1); short protein forms R27L.
Identifiers: ClinVar variation 4841974 (VCV004841974.1).

ClinVar aggregate classification (germline): Uncertain significance (1 of 4 stars; one submission).

gnomAD v4.1: 4 of 1,613,216 alleles (0.00025%); highest among the groups gnomAD compares: South Asian, 0.0022%; no homozygotes.

Submission:

Ambry Genetics
Classification: Uncertain significance. Last evaluated: 2026-01-10. Review status: criteria provided, single submitter. Criteria: Ambry Variant Classification Scheme 2023. Collection method: clinical testing. Allele origin: germline.
Comment: The p.R27L variant (also known as c.80G>T), located in coding exon 1 of the RNF43 gene, results from a G to T substitution at nucleotide position 80. The arginine at codon 27 is replaced by leucine, an amino acid with dissimilar properties. This amino acid position is conserved. In addition, this alteration is predicted to be tolerated by in silico analysis. Based on the available evidence, the clinical significance of this variant remains unclear.